The following is an entry in ClinVar:

ClinVar aggregate classification (germline): Uncertain significance. Review status: criteria provided, multiple submitters, no conflicts (2 of 4 stars). 2 submissions from 2 submitters: Uncertain significance (2). Last evaluated 2025-04-14.

Conditions:
Neuropathy, hereditary sensory and autonomic, type 2A (HSAN2A). Also called: ACROOSTEOLYSIS, GIACCAI TYPE; ACROOSTEOLYSIS, NEUROGENIC; WNK1-Related HSAN2 (HSAN2A); HSAN IIA; MORVAN DISEASE; NEUROPATHY, CONGENITAL SENSORY. Identifiers: Orphanet 970, MedGen C2752089, MONDO:0024309, OMIM 201300.
Pseudohypoaldosteronism type 2C (PHA2C). Also called: Pseudohypoaldosteronism Type IIC. Identifiers: Orphanet 757, Orphanet 88940, MedGen C1840391, MONDO:0013778, OMIM 614492.

Allele frequency attached by ClinVar (database versions not stated): gnomAD 0.00002; TOPMed 0.00002.
gnomAD v4.1: 19 of 1,613,872 alleles (0.0012%); highest among the groups gnomAD compares: East Asian, 0.033%; no homozygotes.

Submissions (2):

Labcorp Genetics (formerly Invitae), Labcorp
Classification: Uncertain significance for Neuropathy, hereditary sensory and autonomic, type 2A; Pseudohypoaldosteronism type 2C. Last evaluated: 2025-04-14. Review status: criteria provided, single submitter. Criteria: Invitae Variant Classification Sherloc (09022015). Collection method: clinical testing. Allele origin: germline.
Comment: This sequence change replaces glutamine, which is neutral and polar, with histidine, which is basic and polar, at codon 592 of the WNK1 protein (p.Gln592His). This variant is present in population databases (rs747700724, gnomAD 0.04%). This variant has not been reported in the literature in individuals affected with WNK1-related conditions. ClinVar contains an entry for this variant (Variation ID: 956141). Invitae Evidence Modeling of protein sequence and biophysical properties (such as structural, functional, and spatial information, amino acid conservation, physicochemical variation, residue mobility, and thermodynamic stability) indicates that this missense variant is not expected to disrupt WNK1 protein function with a negative predictive value of 95%. In summary, the available evidence is currently insufficient to determine the role of this variant in disease. Therefore, it has been classified as a Variant of Uncertain Significance.

Fulgent Genetics
Classification: Uncertain significance for Neuropathy, hereditary sensory and autonomic, type 2A; Pseudohypoaldosteronism type 2C. Last evaluated: 2024-03-27. Review status: criteria provided, single submitter. Criteria: ACMG Guidelines, 2015. Collection method: clinical testing. Allele origin: germline.

NM_018979.4(WNK1):c.1776G>C (p.Gln592His)

Gene: WNK1 (WNK lysine deficient protein kinase 1; plus strand). Cytogenetic location: 12p13.33.
Variant type: single nucleotide variant.
Coding change: c.1776G>C on transcript NM_018979.4 (MANE Select); coding-DNA position 1776, G replaced by C.
Protein change: p.Gln592His; replaces glutamine 592 with histidine.
Molecular consequence: missense variant.
Genome position (GRCh38, 1-based): chr12:861,168, G>C. VCF-style: chr12-861168-G-C. GRCh37 (hg19) VCF-style: chr12-970334-G-C.
Other names: c.1776G>C, p.Gln592His (NM_001184985.2, NM_014823.3, NM_213655.5); short protein forms Q592H.
Identifiers: ClinVar variation 956141 (VCV000956141.10), dbSNP rs747700724, ClinGen allele CA6382028.